The following is an entry in ClinVar:

NM_001382430.1(AKT1):c.1120C>T (p.Pro374Ser)

Gene: AKT1 (AKT serine/threonine kinase 1; minus strand). Cytogenetic location: 14q32.33.
Variant type: single nucleotide variant.
Coding change: c.1120C>T on transcript NM_001382430.1 (MANE Select); coding-DNA position 1120, C replaced by T.
Protein change: p.Pro374Ser; replaces proline 374 with serine.
Molecular consequence: missense variant.
Genome position (GRCh38, 1-based): chr14:104,772,930, G>A on the plus strand (C>T on the coding strand, the complement: AKT1 is on the minus strand). VCF-style: chr14-104772930-G-A. GRCh37 (hg19) VCF-style: chr14-105239267-G-A.
Other names: c.1120C>T, p.Pro374Ser (NM_001014431.2, NM_001014432.2, NM_001382431.1 and 3 more transcripts); short protein forms P374S.
Identifiers: ClinVar variation 3224608 (VCV003224608.1), dbSNP rs2140900727, ClinGen allele CA391216729.
Genomic context (GRCh38, chr14:104,772,930, plus strand): 5'-GCCCTCACCTCTGCTTGGGGTCCTTCTTGAGCAGCCCTGAAAGCAAGGACTTGGCCTCGG[G>A]ACCAAGCGTGCGCGGGAAGCGGATCTCCTCCATGAGGATGAGCTCAAAAAGCTTCTCATG-3'
Protein context (NP_001369359.1, residues 364-384): EEIRFPRTLG[Pro374Ser]EAKSLLSGLL

ClinVar aggregate classification (germline): Uncertain significance (1 of 4 stars; one submission).

Conditions:
Inborn genetic diseases. Identifiers: MedGen C0950123, MeSH D030342.

Submission:

Ambry Genetics
Classification: Uncertain significance for Inborn genetic diseases. Last evaluated: 2024-01-09. Review status: criteria provided, single submitter. Criteria: Ambry Variant Classification Scheme 2023. Collection method: clinical testing. Allele origin: germline.
Comment: The p.P374S variant (also known as c.1120C>T), located in coding exon 10 of the AKT1 gene, results from a C to T substitution at nucleotide position 1120. The proline at codon 374 is replaced by serine, an amino acid with similar properties. This amino acid position is conserved. In addition, this alteration is predicted to be tolerated by in silico analysis. Since supporting evidence is limited at this time, the clinical significance of this alteration remains unclear.